The following is an entry in ClinVar:

NM_006031.6(PCNT):c.2266A>G (p.Lys756Glu)

Gene: PCNT (pericentrin; plus strand). Cytogenetic location: 21q22.3.
Variant type: single nucleotide variant.
Coding change: c.2266A>G on transcript NM_006031.6 (MANE Select); coding-DNA position 2266, A replaced by G.
Protein change: p.Lys756Glu; replaces lysine 756 with glutamic acid.
Molecular consequence: missense variant.
Genome position (GRCh38, 1-based): chr21:46,363,591, A>G. VCF-style: chr21-46363591-A-G. GRCh37 (hg19) VCF-style: chr21-47783506-A-G.
Other names: c.1912A>G, p.Lys638Glu (NM_001315529.2); short protein forms K638E, K756E.
Identifiers: ClinVar variation 2467110 (VCV002467110.3), dbSNP rs1197742544, ClinGen allele CA410567333.
Genomic context (GRCh38, chr21:46,363,591, plus strand): 5'-CAAAAGACTGAGCTGATGAAACAGGAATTCCAAAGAAAAGAAACGGACTGGAAAGTTATG[A>G]AGGAGGAGCTACAGCGGGAAGCTGAGGAGAAGTTAACATTGATGCTACTTGAACTGAGAG-3'
Protein context (NP_006022.3, residues 746-766): QRKETDWKVM[Lys756Glu]EELQREAEEK

ClinVar aggregate classification (germline): Uncertain significance. Review status: criteria provided, single submitter (1 of 4 stars). 2 submissions from 2 submitters: Uncertain significance (1). 1 of the submissions does not count toward it. Last evaluated 2023-02-16.

Conditions:
Inborn genetic diseases. Identifiers: MedGen C0950123, MeSH D030342.
PCNT-related disorder. Also called: PCNT-related condition.

Allele frequency attached by ClinVar (database versions not stated): gnomAD exomes below 0.00001; gnomAD 0.00001; TOPMed 0.00001.
gnomAD v4.1: 4 of 1,614,100 alleles (0.00025%); highest among the groups gnomAD compares: Non-Finnish European, 0.00034%; no homozygotes.

Submissions (2):

Ambry Genetics
Classification: Uncertain significance for Inborn genetic diseases. Last evaluated: 2023-02-16. Review status: criteria provided, single submitter. Criteria: Ambry Variant Classification Scheme 2023. Collection method: clinical testing. Allele origin: germline.

PreventionGenetics, part of Exact Sciences
Classification: Uncertain significance for PCNT-related condition. Last evaluated: 2024-01-10. Review status: no assertion criteria provided. Collection method: clinical testing. Allele origin: germline. Not counted in ClinVar's aggregate classification.
Comment: The PCNT c.2266A>G variant is predicted to result in the amino acid substitution p.Lys756Glu. To our knowledge, this variant has not been reported in the literature or in a large population database, indicating this variant is rare. At this time, the clinical significance of this variant is uncertain due to the absence of conclusive functional and genetic evidence.